The following is an entry in ClinVar:

ClinVar aggregate classification (germline): Uncertain significance (1 of 4 stars; one submission).

Submission:

Illumina Laboratory Services, Illumina
Classification: Uncertain significance. Last evaluated: 2020-03-11. Review status: criteria provided, single submitter. Criteria: ICSL CNVClassificationCriteria Aug2020. Collection method: clinical testing. Allele origin: unknown.
Comment: This CNV is a 13 kb deletion of 1p35.2 on chromosome 1, (seq[GRCh37]del(1)(p35.2); chr1:g.31409666_31422618del) found in a de novo state. The CNV constitutes a loss encompassing a portion of the PUM1 gene. Missense variants in the PUM1 gene as well as chromosomal deletions ranging in size from 0.3 Mb to 5.6 Mb and involving the PUM1 gene in addition to other nearby genes and regions have been reported in multiple individuals with features including developmental delay, language delay, intellectual disability, ataxia, and seizures (Wilson et al. 2015; Gennarino et al. 2018). A larger copy number loss that fully encompasses this CNV and that includes nearly the full PUM1 gene was identified in an individual in a control cohort (Cooper et al. 2011). Analysis of Pum1+/- and Pum1-/- mice showed progressive loss of motor coordination consistent with cerebellar deficit by five weeks of age, degeneration of Purkinje cells and dendritic arborization by ten weeks of age, abnormal EEG activity with generalized epileptiform spikes by 16 weeks of age, and spontaneous seizures by 30 weeks of age in the heterozygous mice, while a more pronounced pathology and more severe phenotype, including a significant reduction in cerebellar weight, were observed in the homozygous mice (Gennarino et al. 2015; Gennarino et al. 2018). Based on the evidence, this CNV is classified as a variant of uncertain significance.

Literature cited by the submitters: PubMed 21841781; PubMed 25768905; PubMed 25900906; PubMed 29474920.

GRCh37/hg19 1p35.2(chr1:31409666-31422618)x1

Gene: PUM1 (pumilio RNA binding family member 1; minus strand). Cytogenetic location: 1p35.2.
Variant type: copy number loss.
Change: copy number 1 (one copy instead of two) of chr1:31,409,666-31,422,618 (13.0 kb, GRCh37 coordinates, 1-based), cytogenetic band 1p35.2.
Identifiers: ClinVar variation 988902 (VCV000988902.4).